The following is an entry in ClinVar:

ClinVar aggregate classification (germline): Pathogenic (1 of 4 stars; one submission).

Conditions:
Familial hemiplegic migraine. Identifiers: MedGen C0338484, MONDO:0000700.

Submission:

Labcorp Genetics (formerly Invitae), Labcorp
Classification: Pathogenic for Familial hemiplegic migraine. Last evaluated: 2025-06-11. Review status: criteria provided, single submitter. Criteria: Invitae Variant Classification Sherloc (09022015). Collection method: clinical testing. Allele origin: germline.
Comment: This sequence change creates a premature translational stop signal (p.Val610Glyfs*4) in the ATP1A2 gene. It is expected to result in an absent or disrupted protein product. Loss-of-function variants in ATP1A2 are known to be pathogenic (PMID: 30690204). This variant is not present in population databases (gnomAD no frequency). This variant has not been reported in the literature in individuals affected with ATP1A2-related conditions. For these reasons, this variant has been classified as Pathogenic.

Literature cited by the submitters: PubMed 30690204.

NM_000702.4(ATP1A2):c.1829del (p.Val610fs)

Gene: ATP1A2 (ATPase Na+/K+ transporting subunit alpha 2; plus strand). Cytogenetic location: 1q23.2.
Variant type: Deletion.
Coding change: c.1829del on transcript NM_000702.4 (MANE Select); coding-DNA position 1829, one base deleted (T; older notation c.1829delT).
Protein change: p.Val610fs; shifts the reading frame from valine 610.
Molecular consequence: frameshift variant.
Genome position (GRCh38, 1-based): chr1:160,134,485, T deleted. VCF-style (leftmost placement, unchanged base first): chr1-160134484-GT-G. GRCh37 (hg19) VCF-style: chr1-160104274-GT-G.
Other names: short protein forms V610fs.
Identifiers: ClinVar variation 4718956 (VCV004718956.1).